The following is an entry in ClinVar:

ClinVar aggregate classification (germline): Uncertain significance (1 of 4 stars; one submission).

Conditions:
X-linked severe combined immunodeficiency (SCIDX1). Also called: IMMUNODEFICIENCY 4; SCID, X-LINKED; SEVERE COMBINED IMMUNODEFICIENCY, X-LINKED, T CELL-NEGATIVE, B CELL-POSITIVE, NK CELL-NEGATIVE; X-Linked Combined Immunodeficiency Diseases; T-B+ severe combined immunodeficiency due to gamma chain deficiency. Identifiers: Orphanet 276, MedGen C6022468, MONDO:0010315, OMIM 300400. Disease mechanism: loss of function.

Submission:

Labcorp Genetics (formerly Invitae), Labcorp
Classification: Uncertain significance for X-linked severe combined immunodeficiency. Last evaluated: 2024-06-30. Review status: criteria provided, single submitter. Criteria: Invitae Variant Classification Sherloc (09022015). Collection method: clinical testing. Allele origin: germline.
Comment: This sequence change creates a premature translational stop signal (p.Thr364Profs*4) in the IL2RG gene. While this is not anticipated to result in nonsense mediated decay, it is expected to disrupt the last 6 amino acid(s) of the IL2RG protein. This variant is not present in population databases (gnomAD no frequency). This variant has not been reported in the literature in individuals affected with IL2RG-related conditions. Experimental studies and prediction algorithms are not available or were not evaluated, and the functional significance of this variant is currently unknown. In summary, the available evidence is currently insufficient to determine the role of this variant in disease. Therefore, it has been classified as a Variant of Uncertain Significance.

NM_000206.3(IL2RG):c.1090_1091del (p.Thr364fs)

Gene: IL2RG (interleukin 2 receptor subunit gamma; minus strand). Cytogenetic location: Xq13.1.
Variant type: Microsatellite.
Coding change: c.1090_1091del on transcript NM_000206.3 (MANE Select); coding-DNA positions 1090 to 1091, 2 bases deleted (AC; older notation c.1090_1091delAC).
Protein change: p.Thr364fs; shifts the reading frame from threonine 364.
Molecular consequence: frameshift variant.
Genome position (GRCh38, 1-based): chrX:71,107,755-71,107,756, GT deleted on the plus strand (AC on the coding strand, the reverse complement: IL2RG is on the minus strand); deleting any 2 consecutive bases within chrX:71,107,755-71,107,758 gives the same sequence; the c. name uses the placement nearest the transcript's 3' end. VCF-style (leftmost placement, unchanged base first): chrX-71107754-GGT-G. GRCh37 (hg19) VCF-style: chrX-70327604-GGT-G.
Other names: short protein forms T364fs.
Identifiers: ClinVar variation 3641521 (VCV003641521.2).
Genomic context (GRCh38, chrX:71,107,754, plus strand): 5'-GGGCTACAGGACCCTGGGGTTCTTCTGTCAGAGGATTGGGGTTCAGGTTTCAGGCTTTAG[GGT>G]GTAACATGGGGGGGCCCAGTAGGGGCTATGCTGGTTGCATGGGGAGGCCCCAGGCCCCTC-3'